The following is an entry in ClinVar:

ClinVar aggregate classification (germline): Uncertain significance (1 of 4 stars; one submission).

Submission:

Labcorp Genetics (formerly Invitae), Labcorp
Classification: Uncertain significance. Last evaluated: 2022-08-23. Review status: criteria provided, single submitter. Criteria: Invitae Variant Classification Sherloc (09022015). Collection method: clinical testing. Allele origin: germline.
Comment: A copy number gain of the genomic region encompassing the full coding sequence of the MGME1 gene has been identified. The boundaries of this event are unknown as they extend beyond the assayed region for this gene and therefore may encompass additional genes. As the precise location of this event is unknown, it may be in tandem or it may be located elsewhere in the genome. This variant has not been reported in the literature in individuals affected with MGME1-related conditions. In summary, the available evidence is currently insufficient to determine the role of this variant in disease. Therefore, it has been classified as a Variant of Uncertain Significance.

NC_000020.10:g.(?_17950503)_(18005616_?)dup

Genes: MGME1 (mitochondrial genome maintenance exonuclease 1; plus strand), OVOL2 (ovo like zinc finger 2; minus strand). Cytogenetic location: 20p11.23.
Variant type: Duplication.
Identifiers: ClinVar variation 2427150 (VCV002427150.3).